The following is an entry in ClinVar:

NM_004082.5(DCTN1):c.3659C>A (p.Pro1220His)

Gene: DCTN1 (dynactin subunit 1; minus strand). Cytogenetic location: 2p13.1.
Variant type: single nucleotide variant.
Coding change: c.3659C>A on transcript NM_004082.5 (MANE Select); coding-DNA position 3659, C replaced by A.
Protein change: p.Pro1220His; replaces proline 1220 with histidine.
Molecular consequence: missense variant. On other transcripts: non-coding transcript variant (1).
Genome position (GRCh38, 1-based): chr2:74,362,092, G>T on the plus strand (C>A on the coding strand, the complement: DCTN1 is on the minus strand). VCF-style: chr2-74362092-G-T. GRCh37 (hg19) VCF-style: chr2-74589219-G-T.
Other names: c.3584C>A, p.Pro1195His (NM_001135040.3); c.3242C>A, p.Pro1081His (NM_001135041.3); c.3533C>A, p.Pro1178His (NM_001190836.2); c.3638C>A, p.Pro1213His (NM_001190837.2); c.3608C>A, p.Pro1203His (NM_001378991.1); c.3590C>A, p.Pro1197His (NM_001378992.1); c.3257C>A, p.Pro1086His (NM_023019.4); short protein forms P1081H, P1086H, P1178H, P1195H, P1197H, P1203H, P1213H, P1220H.
Identifiers: ClinVar variation 1315865 (VCV001315865.7), dbSNP rs1276978486, ClinGen allele CA347334887.
Genomic context (GRCh38, chr2:74,362,092, plus strand): 5'-CACCCCATGCTCCCCCTCACCCTGAGGAAGGCTGATGAAGGGAAGGTGGCAAAGTCAGTG[G>T]GTACTGTGGCTCCAGGGCGCTGAGATACTGTCTCCTTGAGGACCTCATCCTAGGGAAGGG-3'
Protein context (NP_004073.2, residues 1210-1230): TVSQRPGATV[Pro1220His]TDFATFPSSA

ClinVar aggregate classification (germline): Uncertain significance. Review status: criteria provided, multiple submitters, no conflicts (2 of 4 stars). 3 submissions from 3 submitters: Uncertain significance (3). Last evaluated 2025-06-20.

Conditions:
Amyotrophic lateral sclerosis type 1 (ALS1). Also called: AMYOTROPHIC LATERAL SCLEROSIS 1, FAMILIAL. Identifiers: Orphanet 803, MedGen C1862939, MONDO:0007103, OMIM 105400.
Perry syndrome. Also called: PARKINSONISM WITH ALVEOLAR HYPOVENTILATION AND MENTAL DEPRESSION. Identifiers: Orphanet 178509, MedGen C1868594, MONDO:0008201, OMIM 168605.
Neuronopathy, distal hereditary motor, type 7B. Also called: HMN VIIB; LOWER MOTOR NEURON DISEASE, DYNACTIN TYPE; Distal Hereditary Motor Neuronopathy Type 7B (dHMN7B); NEURONOPATHY, DISTAL HEREDITARY MOTOR, AUTOSOMAL DOMINANT 14; NEURONOPATHY, DISTAL HEREDITARY MOTOR, HARDING TYPE VIIB; NEUROPATHY, DISTAL HEREDITARY MOTOR, HARDING TYPE VIIB. Identifiers: Orphanet 139589, MedGen C1843315, MONDO:0011879, OMIM 607641.

Allele frequency attached by ClinVar (database versions not stated): gnomAD exomes below 0.00001; TOPMed 0.00001.
gnomAD v4.1: 2 of 1,613,848 alleles (0.00012%); highest among the groups gnomAD compares: Non-Finnish European, 0.000085%; no homozygotes.

Submissions (3):

Women's Health and Genetics/Laboratory Corporation of America, LabCorp
Classification: Uncertain significance. Last evaluated: 2025-06-20. Review status: criteria provided, single submitter. Criteria: LabCorp Variant Classification Summary - May 2015. Collection method: clinical testing. Allele origin: germline.
Comment: Variant summary: DCTN1 c.3659C>A (p.Pro1220His) results in a non-conservative amino acid change in the encoded protein sequence. Algorithms developed to predict the effect of missense changes on protein structure and function are either unavailable or do not agree on the potential impact of this missense change. The variant was absent in 251472 control chromosomes. The available data on variant occurrences in the general population are insufficient to allow any conclusion about variant significance. To our knowledge, no occurrence of c.3659C>A in individuals affected with Neuronopathy, distal hereditary motor, type 7B and no experimental evidence demonstrating its impact on protein function have been reported. ClinVar contains an entry for this variant (Variation ID: 1315865). Based on the evidence outlined above, the variant was classified as uncertain significance.

Labcorp Genetics (formerly Invitae), Labcorp
Classification: Uncertain significance for Amyotrophic lateral sclerosis type 1; Neuronopathy, distal hereditary motor, type 7B; Perry syndrome. Last evaluated: 2025-03-30. Review status: criteria provided, single submitter. Criteria: Invitae Variant Classification Sherloc (09022015). Collection method: clinical testing. Allele origin: germline.
Comment: This sequence change replaces proline, which is neutral and non-polar, with histidine, which is basic and polar, at codon 1220 of the DCTN1 protein (p.Pro1220His). This variant is not present in population databases (gnomAD no frequency). This variant has not been reported in the literature in individuals affected with DCTN1-related conditions. ClinVar contains an entry for this variant (Variation ID: 1315865). Invitae Evidence Modeling of protein sequence and biophysical properties (such as structural, functional, and spatial information, amino acid conservation, physicochemical variation, residue mobility, and thermodynamic stability) indicates that this missense variant is not expected to disrupt DCTN1 protein function with a negative predictive value of 95%. In summary, the available evidence is currently insufficient to determine the role of this variant in disease. Therefore, it has been classified as a Variant of Uncertain Significance.

GeneDx
Classification: Uncertain significance. Last evaluated: 2019-10-31. Review status: criteria provided, single submitter. Criteria: GeneDx Variant Classification Process June 2021. Collection method: clinical testing. Allele origin: germline. Affected: yes.
Comment: Not observed in large population cohorts (Lek et al., 2016); In silico analysis, which includes protein predictors and evolutionary conservation, supports that this variant does not alter protein structure/function; Has not been previously published as pathogenic or benign to our knowledge